The following is an entry in ClinVar:

NM_007294.4(BRCA1):c.1576_1577del (p.Gln526fs)

Gene: BRCA1 (BRCA1 DNA repair associated; minus strand). Cytogenetic location: 17q21.31.
Variant type: Deletion.
Coding change: c.1576_1577del on transcript NM_007294.4 (MANE Select); coding-DNA positions 1576 to 1577, 2 bases deleted (CA; older notation c.1576_1577delCA).
Protein change: p.Gln526fs; shifts the reading frame from glutamine 526.
Molecular consequence: frameshift variant. On other transcripts: intron variant (137).
Genome position (GRCh38, 1-based): chr17:43,093,954-43,093,955, TG deleted on the plus strand (CA on the coding strand, the reverse complement: BRCA1 is on the minus strand). VCF-style (leftmost placement, unchanged base first): chr17-43093953-TTG-T. GRCh37 (hg19) VCF-style: chr17-41245970-TTG-T.
Other names: c.1576_1577del, p.Gln526fs (NM_001407622.1, NM_001407623.1, NM_001407624.1 and 30 more transcripts); c.1435_1436del, p.Gln479fs (NM_001407726.1, NM_001407730.1, NM_001407727.1 and 29 more transcripts); c.1453_1454del, p.Gln485fs (NM_001407665.1, NM_001407668.1, NM_001407666.1 and 19 more transcripts); c.1573_1574del, p.Gln525fs (NM_001407627.1, NM_001407628.1, NM_001407860.1 and 22 more transcripts); c.1450_1451del, p.Gln484fs (NM_001407670.1, NM_001407940.1, NM_001407941.1 and 11 more transcripts); c.451+789_451+790del (NM_001408508.1, NM_001408509.1); c.1363_1364del, p.Gln455fs (NM_001407897.1, NM_001407898.1, NM_001407899.1 and 9 more transcripts); c.1432_1433del, p.Gln478fs (NM_001407748.1, NM_001407749.1, NM_001407838.1 and 20 more transcripts); and 40 more; short protein forms Q526fs, Q479fs, Q230fs, Q358fs, Q415fs, Q456fs, Q523fs, Q525fs.
Identifiers: ClinVar variation 575484 (VCV000575484.9), dbSNP rs1567799078, ClinGen allele CA891844207.
Genomic context (GRCh38, chr17:43,093,953, plus strand): 5'-CATCACTTGACCATTCTGCTCCGTTTGGTTAGTTCCCTGATTTATCATTTCAGGAGTCTT[TTG>T]AACTGCCAAATCTGCTTTCTTGATAAAATCCTCAGGATGAAGGCCTGATGTAGGTCTCCT-3'

ClinVar aggregate classification (germline): Pathogenic (1 of 4 stars; one submission).

Conditions:
Hereditary breast ovarian cancer syndrome. Also called: Hereditary breast and ovarian cancer; Breast and ovarian cancer; Hereditary breast and ovarian cancer syndrome; BRCA1- and BRCA2-Associated Hereditary Breast and Ovarian Cancer; Hereditary breast and/or ovarian cancer syndrome; Hereditary breast and ovarian cancer syndrome (HBOC). Identifiers: Orphanet 145, MedGen C0677776, MeSH D061325, MONDO:0003582. Disease mechanism: loss of function.

Submission:

Labcorp Genetics (formerly Invitae), Labcorp
Classification: Pathogenic for Hereditary breast ovarian cancer syndrome. Last evaluated: 2018-08-13. Review status: criteria provided, single submitter. Criteria: Invitae Variant Classification Sherloc (09022015). Collection method: clinical testing. Allele origin: germline.
Comment: This sequence change creates a premature translational stop signal (p.Gln526Lysfs*4) in the BRCA1 gene. It is expected to result in an absent or disrupted protein product. This variant is not present in population databases (ExAC no frequency). This variant has not been reported in the literature in individuals with BRCA1-related disease. Loss-of-function variants in BRCA1 are known to be pathogenic (PMID: 20104584). For these reasons, this variant has been classified as Pathogenic.

Literature cited by the submitters: PubMed 20104584.